The following is an entry in ClinVar:

NM_000059.4(BRCA2):c.2490_2491insT (p.Val831fs)

Gene: BRCA2 (BRCA2 DNA repair associated; plus strand). Cytogenetic location: 13q13.1.
Variant type: Insertion.
Coding change: c.2490_2491insT on transcript NM_000059.4 (MANE Select); coding-DNA positions 2490 to 2491, T inserted.
Protein change: p.Val831fs; shifts the reading frame from valine 831.
Molecular consequence: frameshift variant.
Genome position: GRCh38 VCF-style: chr13-32336845-C-CT. GRCh37 (hg19) VCF-style: chr13-32910982-C-CT.
Other names: 2718_2719insT; short protein forms V831fs.
Identifiers: ClinVar variation 266703 (VCV000266703.57), dbSNP rs886040430, ClinGen allele CA10589157.

ClinVar aggregate classification (germline): Pathogenic. Review status: reviewed by expert panel (3 of 4 stars). 6 submissions from 6 submitters: Pathogenic (1). 5 of the submissions do not count toward it. Last evaluated 2016-10-18.

Conditions:
Hereditary cancer-predisposing syndrome. Also called: Tumor predisposition; Neoplastic Syndromes, Hereditary; Hereditary neoplastic syndrome; Hereditary Cancer Syndrome. Identifiers: Orphanet 140162, MedGen C0027672, MeSH D009386, MONDO:0015356.
Hereditary breast ovarian cancer syndrome. Also called: Hereditary breast and ovarian cancer; Hereditary breast and ovarian cancer syndrome (HBOC); Hereditary breast and/or ovarian cancer syndrome; Breast and ovarian cancer; Hereditary breast and ovarian cancer syndrome; BRCA1- and BRCA2-Associated Hereditary Breast and Ovarian Cancer. Identifiers: Orphanet 145, MedGen C0677776, MeSH D061325, MONDO:0003582. Disease mechanism: loss of function.
BRCA2-related cancer predisposition. Identifiers: MedGen CN377758, MONDO:0700269.
Breast-ovarian cancer, familial, susceptibility to, 2 (BROVCA2). Also called: BRCA2 Hereditary Breast and Ovarian Cancer. Identifiers: Orphanet 145, MedGen C2675520, MONDO:0012933, OMIM 612555. Disease mechanism: loss of function.

Allele frequency attached by ClinVar (database versions not stated): gnomAD exomes below 0.00001.

Submissions (6):

Evidence-based Network for the Interpretation of Germline Mutant Alleles (ENIGMA)
Classification: Pathogenic for Breast-ovarian cancer, familial, susceptibility to, 2. Last evaluated: 2016-10-18. Review status: reviewed by expert panel. Criteria: ENIGMA BRCA1/2 Classification Criteria (2015). Collection method: curation. Allele origin: germline.
Comment: Variant allele predicted to encode a truncated non-functional protein.

Color Diagnostics, LLC DBA Color Health
Classification: Pathogenic for Hereditary cancer-predisposing syndrome. Last evaluated: 2024-06-18. Review status: criteria provided, single submitter. Criteria: ACMG Guidelines, 2015. Collection method: clinical testing. Allele origin: germline. Not counted in ClinVar's aggregate classification.
Comment: This variant inserts 1 nucleotide in exon 11 of the BRCA2 gene, creating a frameshift and premature translation stop signal. This variant is expected to result in an absent or non-functional protein product. To our knowledge, functional studies have not been reported for this variant. This variant has been reported in individuals affected with breast cancer (PMID: 31300551, 34949660) and has been identified in 1 family among the CIMBA participants (PMID: 29446198). This variant has not been identified in the general population by the Genome Aggregation Database (gnomAD). Loss of BRCA2 function is a known mechanism of disease. Based on the available evidence, this variant is classified as Pathogenic.

Labcorp Genetics (formerly Invitae), Labcorp
Classification: Pathogenic for Hereditary breast ovarian cancer syndrome. Last evaluated: 2023-03-09. Review status: criteria provided, single submitter. Criteria: Invitae Variant Classification Sherloc (09022015). Collection method: clinical testing. Allele origin: germline. Not counted in ClinVar's aggregate classification.
Comment: This variant is not present in population databases (gnomAD no frequency). This premature translational stop signal has been observed in individual(s) with breast cancer and/or ovarian cancer (PMID: 31209999). ClinVar contains an entry for this variant (Variation ID: 266703). For these reasons, this variant has been classified as Pathogenic. This sequence change creates a premature translational stop signal (p.Val831Cysfs*2) in the BRCA2 gene. It is expected to result in an absent or disrupted protein product. Loss-of-function variants in BRCA2 are known to be pathogenic (PMID: 20104584).

Department of Pathology and Laboratory Medicine, Sinai Health System
Classification: Pathogenic for BRCA2-related cancer predisposition. Last evaluated: 2020-05-21. Review status: criteria provided, single submitter. Criteria: ACMG Guidelines, 2015. Collection method: clinical testing. Allele origin: germline. Affected: no. Not counted in ClinVar's aggregate classification.

GeneKor MSA
Classification: Pathogenic for Hereditary breast and ovarian cancer syndrome. Last evaluated: 2020-01-01. Review status: criteria provided, single submitter. Criteria: ACMG Guidelines, 2015. Collection method: clinical testing. Allele origin: germline. Affected: no. Not counted in ClinVar's aggregate classification.
Comment: This variant is a single base pair insertion in exon 11 of the BRCA2 mRNA, causing a frameshift after codon 831 and this creates a premature translational stop signal 2 amino acid residues later. This is expected to result in an absent or disrupted protein product. Truncating variants in BRCA2 are known to be pathogenic (PMID: 20104584). This variant has been described in the international literature in individuals undergoing panel testing for hereditary syndrome (PMID: 31159747). The mutation database ClinVar contains entries for this variant (Variation ID: 266703).

Consortium of Investigators of Modifiers of BRCA1/2 (CIMBA), c/o University of Cambridge
Classification: Pathogenic for Breast-ovarian cancer, familial, susceptibility to, 2. Last evaluated: 2015-10-02. Review status: criteria provided, single submitter. Criteria: CIMBA Mutation Classification guidelines May 2016. Collection method: clinical testing. Allele origin: germline. Not counted in ClinVar's aggregate classification.

Literature cited by the submitters: PubMed 29446198 (cited by Color Diagnostics, LLC DBA Color Health); PubMed 31300551 (cited by Color Diagnostics, LLC DBA Color Health and Department of Pathology and Laboratory Medicine, Sinai Health System); PubMed 34949660 (cited by Color Diagnostics, LLC DBA Color Health); PubMed 31209999 (cited by Labcorp Genetics (formerly Invitae), Labcorp); PubMed 20104584 (cited by Labcorp Genetics (formerly Invitae), Labcorp).